The following is an entry in ClinVar:

ClinVar aggregate classification (germline): Pathogenic (1 of 4 stars; one submission).

Conditions:
Spastic paraplegia. Identifiers: MedGen C0037772, HP:0001258.

Submission:

Labcorp Genetics (formerly Invitae), Labcorp
Classification: Pathogenic for Spastic paraplegia. Last evaluated: 2023-06-28. Review status: criteria provided, single submitter. Criteria: Invitae Variant Classification Sherloc (09022015). Collection method: clinical testing. Allele origin: germline.
Comment: This sequence change creates a premature translational stop signal (p.Pro2798Thrfs*12) in the SACS gene. While this is not anticipated to result in nonsense mediated decay, it is expected to disrupt the last 1782 amino acid(s) of the SACS protein. This variant is not present in population databases (gnomAD no frequency). This variant has not been reported in the literature in individuals affected with SACS-related conditions. This variant disrupts a region of the SACS protein in which other variant(s) (p.Asn4549Asp) have been determined to be pathogenic (PMID: 15156359, 21507954). This suggests that this is a clinically significant region of the protein, and that variants that disrupt it are likely to be disease-causing. For these reasons, this variant has been classified as Pathogenic.

Literature cited by the submitters: PubMed 15156359; PubMed 21507954.

NM_014363.6(SACS):c.8390dup (p.Pro2798fs)

Gene: SACS (sacsin molecular chaperone; minus strand). Cytogenetic location: 13q12.12.
Variant type: Duplication.
Coding change: c.8390dup on transcript NM_014363.6 (MANE Select); coding-DNA position 8390, one base duplicated (T; older notation c.8390dupT).
Protein change: p.Pro2798fs; shifts the reading frame from proline 2798.
Molecular consequence: frameshift variant.
Genome position (GRCh38, 1-based): chr13:23,335,486, A duplicated on the plus strand (T on the coding strand, the reverse complement: SACS is on the minus strand). VCF-style (leftmost placement, unchanged base first): chr13-23335485-T-TA. GRCh37 (hg19) VCF-style: chr13-23909624-T-TA.
Other names: c.7949dup, p.Pro2651fs (NM_001278055.2); short protein forms P2651fs, P2798fs.
Identifiers: ClinVar variation 2732325 (VCV002732325.3), dbSNP rs2542218401, ClinGen allele CA2697551669.
Genomic context (GRCh38, chr13:23,335,485, plus strand): 5'-CGTAGTAAGATTTCCTTCAGAGTCCTCAGTATCCATAGTATAGGTTATTTGTTGAACTGG[T>TA]ATGTCTTTGAGCTGCCTCTTTTTAGTAACACTATCAATTACAGATGCATGAAATTGTTTC-3'